The following is an entry in ClinVar:

ClinVar aggregate classification (germline): Likely benign (1 of 4 stars; one submission).

Conditions:
PCSK1-related disorder. Also called: PCSK1-related condition.

gnomAD v4.1: 1 of 1,610,298 alleles (0.000062%); no homozygotes.

Submission:

PreventionGenetics, part of Exact Sciences
Classification: Likely benign for PCSK1-related condition. Last evaluated: 2024-12-03. Review status: criteria provided, single submitter. Criteria: ACMG Guidelines, 2015. Collection method: clinical testing. Allele origin: germline.
Comment: This variant is classified as likely benign based on ACMG/AMP sequence variant interpretation guidelines (Richards et al. 2015 PMID: 25741868, with internal and published modifications).

NM_000439.5(PCSK1):c.306G>A (p.Gln102=)

Genes: CAST (calpastatin; plus strand), PCSK1 (proprotein convertase subtilisin/kexin type 1; minus strand), LOC101929710 (uncharacterized LOC101929710; plus strand). Cytogenetic location: 5q15.
Variant type: single nucleotide variant.
Coding change: c.306G>A on transcript NM_000439.5 (MANE Select); coding-DNA position 306, G replaced by A.
Protein change: p.Gln102=; no amino-acid change (glutamine 102 retained).
Molecular consequence: synonymous variant. On other transcripts: intron variant (11).
Genome position (GRCh38, 1-based): chr5:96,425,910, C>T on the plus strand (G>A on the coding strand, the complement: PCSK1 is on the minus strand). VCF-style: chr5-96425910-C-T. GRCh37 (hg19) VCF-style: chr5-95761614-C-T.
Other names: c.165G>A, p.Gln55= (NM_001177875.2); c.-175+46258C>T (NM_001423254.1, NM_001423259.1, NM_001423255.1 and 6 more transcripts); c.-103+46258C>T (NM_001423253.1); c.-40+46258C>T (NM_001423258.1).
Identifiers: ClinVar variation 4996927 (VCV004996927.1).